The following is an entry in ClinVar:

NM_001849.4(COL6A2):c.1817-7C>T

Gene: COL6A2 (collagen type VI alpha 2 chain; plus strand). Cytogenetic location: 21q22.3.
Variant type: single nucleotide variant.
Coding change: c.1817-7C>T on transcript NM_001849.4 (MANE Select); 7 bases into the intron before coding-DNA position 1817, C replaced by T.
Molecular consequence: intron variant.
Genome position (GRCh38, 1-based): chr21:46,125,458, C>T. VCF-style: chr21-46125458-C-T. GRCh37 (hg19) VCF-style: chr21-47545372-C-T.
Other names: c.1817-7C>T (NM_058175.3, NM_058174.3).
Identifiers: ClinVar variation 3351128 (VCV003351128.1).
Genomic context (GRCh38, chr21:46,125,458, plus strand): 5'-CATGTGCACGTGACCCTAGGGTCTGAGGTCTCCCCGGTACCCCCCGATGACCCTGCCACC[C>T]CCCCAGACTGTGAGAAGCGCTGTGGCGCCCTGGACGTGGTCTTCGTCATCGACAGCTCCG-3'

ClinVar aggregate classification (germline): Likely benign (0 of 4 stars; one submission).

Conditions:
COL6A2-related disorder.

Submission:

PreventionGenetics, part of Exact Sciences
Classification: Likely benign for COL6A2-related condition. Last evaluated: 2024-04-25. Review status: no assertion criteria provided. Collection method: clinical testing. Allele origin: germline.
Comment: This variant is classified as likely benign based on ACMG/AMP sequence variant interpretation guidelines (Richards et al. 2015 PMID: 25741868, with internal and published modifications).